The following is an entry in ClinVar:

ClinVar aggregate classification (germline): Benign. Review status: criteria provided, multiple submitters, no conflicts (2 of 4 stars). 2 submissions from 2 submitters: Benign (2). Last evaluated 2018-01-13.

Conditions:
Charcot-Marie-Tooth disease type 4B2. Also called: Charcot-Marie-Tooth Neuropathy Type 4B2; CHARCOT-MARIE-TOOTH DISEASE, WITH FOCALLY FOLDED MYELIN SHEATHS, AUTOSOMAL RECESSIVE, TYPE 4B2; CMT 4B2; CHARCOT-MARIE-TOOTH DISEASE, DEMYELINATING, TYPE 4B2. Identifiers: Orphanet 99956, MedGen C1858278, MONDO:0011475, OMIM 604563.

Allele frequency attached by ClinVar (database versions not stated): gnomAD 0.06509 and 0.06845; TOPMed 0.07256; 1000 Genomes Project 0.07408.

Submissions (2):

Illumina Laboratory Services, Illumina
Classification: Benign for Charcot-Marie-Tooth disease type 4B2. Last evaluated: 2018-01-13. Review status: criteria provided, single submitter. Criteria: ICSL Variant Classification Criteria 13 December 2019. Collection method: clinical testing. Allele origin: germline.
Comment: This variant was observed in the ICSL laboratory as part of a predisposition screen in an ostensibly healthy population. It had not been previously curated by ICSL or reported in the Human Gene Mutation Database (HGMD: prior to June 1st, 2018), and was therefore a candidate for classification through an automated scoring system. Utilizing variant allele frequency, disease prevalence and penetrance estimates, and inheritance mode, an automated score was calculated to assess if this variant is too frequent to cause the disease. Based on the score and internal cut-off values, a variant classified as benign is not then subjected to further curation. The score for this variant resulted in a classification of benign for this disease.

Breakthrough Genomics
Classification: Benign. Review status: criteria provided, single submitter. Criteria: ACMG Guidelines, 2015. Collection method: not provided. Allele origin: germline. Inheritance: Autosomal recessive inheritance. Affected: yes.

NM_030962.4(SBF2):c.*1619A>C

Genes: SBF2 (SET binding factor 2; minus strand), SBF2-AS1 (SBF2 antisense RNA 1; plus strand). Cytogenetic location: 11p15.4.
Variant type: single nucleotide variant.
Coding change: c.*1619A>C on transcript NM_030962.4 (MANE Select); 1619 bases downstream of the stop codon, A replaced by C.
Molecular consequence: 3 prime UTR variant.
Genome position (GRCh38, 1-based): chr11:9,778,799, T>G on the plus strand (A>C on the coding strand, the complement: SBF2 is on the minus strand). VCF-style: chr11-9778799-T-G. GRCh37 (hg19) VCF-style: chr11-9800346-T-G.
Other names: c.*1619A>C (NM_001386339.1, NM_001386342.1).
Identifiers: ClinVar variation 306551 (VCV000306551.6), dbSNP rs360126, ClinGen allele CA10635951.